The following is an entry in ClinVar:

ClinVar aggregate classification (germline): Likely pathogenic (1 of 4 stars; one submission).

Conditions:
LAMA2-related muscular dystrophy (LAMA2-RD). Also called: Laminin alpha 2-related dystrophy. Identifiers: MedGen C5679788, MONDO:0100228.

Submission:

Myriad Genetics, Inc.
Classification: Likely pathogenic for LAMA2-related muscular dystrophy. Last evaluated: 2022-01-17. Review status: criteria provided, single submitter. Criteria: Myriad Autosomal Dominant, Autosomal Recessive and X-Linked Classification Criteria (2023). Collection method: clinical testing. Allele origin: unknown.
Comment: NM_000426.3(LAMA2):c.5568_5569delTGinsA(E1857Kfs*18) is expected to be pathogenic in the context of muscular dystrophy, LAMA2-related. This variant is predicted to lead to an abnormal or absent protein product due to the creation of a premature termination codon in LAMA2, a gene where loss-of-function variants are known to be pathogenic. Please note: this variant was assessed in the context of healthy population screening.

NM_000426.4(LAMA2):c.5568_5569delinsA (p.Glu1857fs)

Gene: LAMA2 (laminin subunit alpha 2; plus strand). Cytogenetic location: 6q22.33.
Variant type: Indel.
Coding change: c.5568_5569delinsA on transcript NM_000426.4 (MANE Select); coding-DNA positions 5568 to 5569, TG replaced by A.
Protein change: p.Glu1857fs; shifts the reading frame from glutamic acid 1857.
Molecular consequence: frameshift variant.
Genome position (GRCh38, 1-based): chr6:129,402,329-129,402,330, TG replaced by A. VCF-style: chr6-129402329-TG-A. GRCh37 (hg19) VCF-style: chr6-129723474-TG-A.
Other names: c.5568_5569delinsA, p.Glu1857fs (NM_001079823.2); short protein forms E1857fs.
Identifiers: ClinVar variation 1723975 (VCV001723975.3), dbSNP rs2533298096, ClinGen allele CA2580075004.
Genomic context (GRCh38, chr6:129,402,329, plus strand): 5'-AAAGAGAGGAGGCTTGAATTCACTTGCTTAAAATGCCCTCTTCTCTACATATCAGTATGT[TG>A]AAGACATCCAAACTAAATTGCCACCTATGTCTGAGGAGCTTAATGATAAAATAGATGACC-3'